The following is an entry in ClinVar:

ClinVar aggregate classification (germline): Uncertain significance (1 of 4 stars; one submission).

Conditions:
Charcot-Marie-Tooth disease axonal type 2O. Also called: CHARCOT-MARIE-TOOTH NEUROPATHY, AXONAL, TYPE 2O; CHARCOT-MARIE-TOOTH DISEASE, AXONAL, AUTOSOMAL DOMINANT, TYPE 2O; Charcot-Marie-Tooth Neuropathy Type 2O; Charcot-Marie-Tooth disease, axonal, type 20. Identifiers: Orphanet 284232, MedGen C3280220, MONDO:0013644, OMIM 614228.

Submission:

Labcorp Genetics (formerly Invitae), Labcorp
Classification: Uncertain significance for Charcot-Marie-Tooth disease axonal type 2O. Last evaluated: 2023-05-10. Review status: criteria provided, single submitter. Criteria: Invitae Variant Classification Sherloc (09022015). Collection method: clinical testing. Allele origin: germline.
Comment: Variants that disrupt the consensus splice site are a relatively common cause of aberrant splicing (PMID: 17576681, 9536098). Algorithms developed to predict the effect of sequence changes on RNA splicing suggest that this variant is not likely to affect RNA splicing. ClinVar contains an entry for this variant (Variation ID: 2418572). This variant has not been reported in the literature in individuals affected with DYNC1H1-related conditions. This variant is not present in population databases (gnomAD no frequency). This sequence change falls in intron 8 of the DYNC1H1 gene. It does not directly change the encoded amino acid sequence of the DYNC1H1 protein. It affects a nucleotide within the consensus splice site. In summary, the available evidence is currently insufficient to determine the role of this variant in disease. Therefore, it has been classified as a Variant of Uncertain Significance.

Literature cited by the submitters: PubMed 17576681; PubMed 9536098.

NM_001376.5(DYNC1H1):c.2538+5G>A

Gene: DYNC1H1 (dynein cytoplasmic 1 heavy chain 1; plus strand). Cytogenetic location: 14q32.31.
Variant type: single nucleotide variant.
Coding change: c.2538+5G>A on transcript NM_001376.5 (MANE Select); 5 bases into the intron after coding-DNA position 2538, G replaced by A.
Molecular consequence: intron variant.
Genome position (GRCh38, 1-based): chr14:101,986,768, G>A. VCF-style: chr14-101986768-G-A. GRCh37 (hg19) VCF-style: chr14-102453105-G-A.
Identifiers: ClinVar variation 2418572 (VCV002418572.6), dbSNP rs2503696682, ClinGen allele CA2580088464.
Genomic context (GRCh38, chr14:101,986,768, plus strand): 5'-AACTTGACCCATATGTACAGCGCTTAGCAGAGACTGTCTTCAACTTCCAAGAAAAGGTAT[G>A]CTCTCATGTAATCCTCAGGTGTCCTGGTAACGAATGAAGCACAGTAATAGCGAGCTCAGT-3'